The following is an entry in ClinVar:

NM_001260.3(CDK8):c.185C>A (p.Ser62Ter)

Gene: CDK8 (cyclin dependent kinase 8; plus strand). Cytogenetic location: 13q12.13.
Variant type: single nucleotide variant.
Coding change: c.185C>A on transcript NM_001260.3 (MANE Select); coding-DNA position 185, C replaced by A.
Protein change: p.Ser62Ter; replaces serine 62 with a stop codon.
Molecular consequence: nonsense. On other transcripts: 5 prime UTR variant (1).
Genome position (GRCh38, 1-based): chr13:26,337,623, C>A. VCF-style: chr13-26337623-C-A. GRCh37 (hg19) VCF-style: chr13-26911760-C-A.
Other names: c.185C>A, p.Ser62Ter (NM_001318368.2); c.-277C>A (NM_001346501.2); short protein forms S62*.
Identifiers: ClinVar variation 631491 (VCV000631491.4), dbSNP rs1565977796, ClinGen allele CA387682577.

ClinVar aggregate classification (germline): Pathogenic (1 of 4 stars; one submission).

Conditions:
Abnormal heart morphology. Also called: Heart, malformation of; Abnormality of cardiac morphology. Identifiers: MedGen C0018798, MeSH D006330, HP:0001627.
Common atrium. Identifiers: MedGen C0392482, HP:0011565.
Stillbirth. Identifiers: MedGen C0595939, HP:0003826.
Ventriculomegaly. Identifiers: MedGen C1531647, HP:0002119.
Congenital diaphragmatic hernia. Also called: DIH; Congenital diaphragmatic defect; Unilateral agenesis of diaphragm; Agenesis of hemidiaphragm. Identifiers: Orphanet 2140, MedGen C0235833, MeSH D065630, MONDO:0005711, HP:0000776.
Ebstein anomaly. Also called: Ebstein anomaly of the tricuspid valve; Ebstein's anomaly of the tricuspid valve. Identifiers: Orphanet 1880, MedGen C0013481, MONDO:0009144, OMIM 224700, HP:0010316.
Abnormal facial shape. Also called: Dysmorphic facies; Dysmorphic facial features. Identifiers: MedGen C0424503, HP:0001999.

gnomAD v4.1: 1 of 1,440,982 alleles (0.000069%); highest among the groups gnomAD compares: South Asian, 0.0017%; no homozygotes.

Submission:

Diagnostics Division, CENTRE FOR DNA FINGERPRINTING AND DIAGNOSTICS
Classification: Pathogenic for Abnormal heart morphology; Congenital diaphragmatic hernia; Ventriculomegaly; Common atrium; Ebstein anomaly; Abnormal facial shape; Stillbirth. Last evaluated: 2019-05-16. Review status: criteria provided, single submitter. Criteria: ACMG Guidelines, 2015. Collection method: research. Allele origin: unknown. Affected: yes. Observed: 1 heterozygote.
Comment: c.185C>T (p.Ser62Leu) missense variant in CDK8 has been reported among five individuals with developmental disorder. De novo missense variants in CDK8 gene have been recently implicated in syndromic developmental disorder (PMID:30905399). The reported variant is a heterozygous stop gain variant (c.185C>A:p.Ser62*) at the same position.